The following is an entry in ClinVar:

ClinVar aggregate classification (germline): Conflicting classifications of pathogenicity. Review status: criteria provided, conflicting classifications (1 of 4 stars). 4 submissions from 4 submitters: Uncertain significance (1); Likely benign (2). 1 of the submissions does not count toward it. Last evaluated 2026-01-27.

Conditions:
Nephronophthisis. Also called: Juvenile Nephronophthisis. Identifiers: Orphanet 655, MedGen C0687120, MONDO:0019005, HP:0000090.
NPHP1-related disorder. Also called: NPHP1-related disorders; NPHP1-related condition.

Allele frequency attached by ClinVar (database versions not stated): gnomAD 0.00001; TOPMed 0.00005; gnomAD exomes 0.00010 and 0.00021; ExAC 0.00020.
gnomAD v4.1: 61 of 1,610,800 alleles (0.0038%); highest among the groups gnomAD compares: Admixed American, 0.1%; no homozygotes.

Submissions (4):

Labcorp Genetics (formerly Invitae), Labcorp
Classification: Likely benign for Nephronophthisis. Last evaluated: 2026-01-27. Review status: criteria provided, single submitter. Criteria: Invitae Variant Classification Sherloc (09022015). Collection method: clinical testing. Allele origin: germline.

Blueprint Genetics
Classification: Likely benign. Last evaluated: 2022-10-25. Review status: criteria provided, single submitter. Criteria: ACMG Guidelines, 2015. Collection method: clinical testing. Allele origin: germline.

Eurofins Ntd Llc (ga)
Classification: Uncertain significance. Last evaluated: 2018-01-09. Review status: criteria provided, single submitter. Criteria: EGL Classification Definitions 2015. Collection method: clinical testing. Allele origin: germline. Observed: 2 variant alleles, 2 heterozygotes.

PreventionGenetics, part of Exact Sciences
Classification: Likely benign for NPHP1-related condition. Last evaluated: 2022-11-02. Review status: no assertion criteria provided. Collection method: clinical testing. Allele origin: germline. Not counted in ClinVar's aggregate classification.
Comment: This variant is classified as likely benign based on ACMG/AMP sequence variant interpretation guidelines (Richards et al. 2015 PMID: 25741868, with internal and published modifications).

NM_001128178.3(NPHP1):c.102A>G (p.Lys34=)

Gene: NPHP1 (nephrocystin 1; minus strand). Cytogenetic location: 2q13.
Variant type: single nucleotide variant.
Coding change: c.102A>G on transcript NM_001128178.3 (MANE Select); coding-DNA position 102, A replaced by G.
Protein change: p.Lys34=; no amino-acid change (lysine 34 retained).
Molecular consequence: synonymous variant.
Genome position (GRCh38, 1-based): chr2:110,201,462, T>C on the plus strand (A>G on the coding strand, the complement: NPHP1 is on the minus strand). VCF-style: chr2-110201462-T-C. GRCh37 (hg19) VCF-style: chr2-110959039-T-C.
Other names: c.102A>G, p.Lys34= (NM_000272.5, NM_001128179.3, NM_001374256.1 and 2 more transcripts).
Identifiers: ClinVar variation 595679 (VCV000595679.18), dbSNP rs763004817, ClinGen allele CA1827503.